The following is an entry in ClinVar:

NM_000116.5(TAFAZZIN):c.238+21G>C

Gene: TAFAZZIN (tafazzin, phospholipid-lysophospholipid transacylase; plus strand). Cytogenetic location: Xq28.
Variant type: single nucleotide variant.
Coding change: c.238+21G>C on transcript NM_000116.5 (MANE Select); 21 bases into the intron after coding-DNA position 238, G replaced by C.
Molecular consequence: intron variant.
Genome position (GRCh38, 1-based): chrX:154,412,235, G>C. VCF-style: chrX-154412235-G-C. GRCh37 (hg19) VCF-style: chrX-153640572-G-C.
Other names: c.292+21G>C (NM_001440856.1, NM_001303465.2, NM_001410698.1 and 1 more transcripts); c.238+21G>C (NM_181312.4, NM_181311.4, NM_181313.4 and 1 more transcripts).
Identifiers: ClinVar variation 4854533 (VCV004854533.1).

ClinVar aggregate classification (germline): Uncertain significance (1 of 4 stars; one submission).

Conditions:
3-Methylglutaconic aciduria type 2 (BTHS). Also called: CARDIOSKELETAL MYOPATHY WITH NEUTROPENIA AND ABNORMAL MITOCHONDRIA; Barth syndrome. Identifiers: Orphanet 111, MedGen C0574083, MONDO:0010543, OMIM 302060.

Submission:

3billion
Classification: Uncertain significance for 3-Methylglutaconic aciduria type 2. Last evaluated: 2025-12-01. Review status: criteria provided, single submitter. Criteria: ACMG Guidelines, 2015. Collection method: clinical testing. Allele origin: germline. Affected: yes.
Comment: The variant is not observed in the gnomAD v4.1.0 dataset. Predicted Consequence/Location: Intron variant In silico tools predict the variant to alter splicing and produce an abnormal transcript [SpliceAI: 0.29 (>=0.2, moderate evidence for spliceogenicity)]. Therefore, this variant is classified as VUS according to the recommendation of ACMG/AMP guideline.